The following is an entry in ClinVar:

NM_001099403.2(PRDM8):c.1562G>A (p.Gly521Asp)

Genes: PRDM8 (PR/SET domain 8; plus strand), LOC129992745 (ATAC-STARR-seq lymphoblastoid silent region 15522; plus strand). Cytogenetic location: 4q21.21.
Variant type: single nucleotide variant.
Coding change: c.1562G>A on transcript NM_001099403.2 (MANE Select); coding-DNA position 1562, G replaced by A.
Protein change: p.Gly521Asp; replaces glycine 521 with aspartic acid.
Molecular consequence: missense variant.
Genome position (GRCh38, 1-based): chr4:80,203,024, G>A. VCF-style: chr4-80203024-G-A. GRCh37 (hg19) VCF-style: chr4-81124178-G-A.
Other names: c.1562G>A, p.Gly521Asp (NM_020226.4); short protein forms G521D.
Identifiers: ClinVar variation 941638 (VCV000941638.10), dbSNP rs778713373, ClinGen allele CA2982400.

ClinVar aggregate classification (germline): Uncertain significance (1 of 4 stars; one submission).

Conditions:
Early-onset Lafora body disease. Also called: Epilepsy, progressive myoclonic, 10. Identifiers: Orphanet 324290, MedGen C4225258, MONDO:0014717, OMIM 616640.

Allele frequency attached by ClinVar (database versions not stated): gnomAD exomes 0.00001; ExAC 0.00007.
gnomAD v4.1: 8 of 1,531,322 alleles (0.00052%); highest among the groups gnomAD compares: Non-Finnish European, 0.00061%; no homozygotes.

Submission:

Labcorp Genetics (formerly Invitae), Labcorp
Classification: Uncertain significance for Early-onset Lafora body disease. Last evaluated: 2022-07-12. Review status: criteria provided, single submitter. Criteria: Invitae Variant Classification Sherloc (09022015). Collection method: clinical testing. Allele origin: germline.
Comment: In summary, the available evidence is currently insufficient to determine the role of this variant in disease. Therefore, it has been classified as a Variant of Uncertain Significance. Algorithms developed to predict the effect of missense changes on protein structure and function (SIFT, PolyPhen-2, Align-GVGD) all suggest that this variant is likely to be tolerated. ClinVar contains an entry for this variant (Variation ID: 941638). This variant has not been reported in the literature in individuals affected with PRDM8-related conditions. The frequency data for this variant in the population databases is considered unreliable, as metrics indicate poor data quality at this position in the gnomAD database. This sequence change replaces glycine, which is neutral and non-polar, with aspartic acid, which is acidic and polar, at codon 521 of the PRDM8 protein (p.Gly521Asp).